The following is an entry in ClinVar:

NM_001167.4(XIAP):c.1191T>G (p.Ile397Met)

Gene: XIAP (X-linked inhibitor of apoptosis; plus strand). Cytogenetic location: Xq25.
Variant type: single nucleotide variant.
Coding change: c.1191T>G on transcript NM_001167.4 (MANE Select); coding-DNA position 1191, T replaced by G.
Protein change: p.Ile397Met; replaces isoleucine 397 with methionine.
Molecular consequence: missense variant. On other transcripts: non-coding transcript variant (2).
Genome position (GRCh38, 1-based): chrX:123,900,584, T>G. VCF-style: chrX-123900584-T-G. GRCh37 (hg19) VCF-style: chrX-123034434-T-G.
Other names: c.1191T>G, p.Ile397Met (NM_001204401.2, NM_001378590.1, NM_001378591.1 and 1 more transcripts); c.1191T>G (NM_001167.3); short protein forms I397M.
Identifiers: ClinVar variation 1089752 (VCV001089752.11), dbSNP rs760574724, ClinGen allele CA10508155.
Genomic context (GRCh38, chrX:123,900,584, plus strand): 5'-AGAAGCTATACGAATGGGGTTCAGTTTCAAGGACATTAAGAAAATAATGGAGGAAAAAAT[T>G]CAGATATCTGGGAGCAACTATAAATCACTTGAGGTTCTGGTTGCAGATCTAGTGAATGCT-3'
Protein context (NP_001158.2, residues 387-407): KDIKKIMEEK[Ile397Met]QISGSNYKSL

ClinVar aggregate classification (germline): Likely benign. Review status: criteria provided, multiple submitters, no conflicts (2 of 4 stars). 3 submissions from 3 submitters: Likely benign (3). Last evaluated 2025-01-16.

Conditions:
X-linked lymphoproliferative disease due to XIAP deficiency. Also called: XIAP-Related Lymphoproliferative Disease, X-Linked; XIAP DEFICIENCY. Identifiers: Orphanet 2442, Orphanet 538934, MedGen C1845076, MONDO:0010385, OMIM 300635.
XIAP-related disorder. Also called: XIAP-related condition.

Allele frequency attached by ClinVar (database versions not stated): ExAC 0.00001; gnomAD 0.00002; gnomAD exomes 0.00002 and 0.00005; TOPMed 0.00002.
gnomAD v4.1: 54 of 1,209,394 alleles (0.0045%); highest among the groups gnomAD compares: Non-Finnish European, 0.0057%; no homozygotes.

Submissions (3):

PreventionGenetics, part of Exact Sciences
Classification: Likely benign for XIAP-related condition. Last evaluated: 2025-01-16. Review status: criteria provided, single submitter. Criteria: ACMG Guidelines, 2015. Collection method: clinical testing. Allele origin: germline.
Comment: This variant is classified as likely benign based on ACMG/AMP sequence variant interpretation guidelines (Richards et al. 2015 PMID: 25741868, with internal and published modifications).

ARUP Laboratories, Molecular Genetics and Genomics, ARUP Laboratories
Classification: Likely benign for X-linked lymphoproliferative disease due to XIAP deficiency. Last evaluated: 2024-01-18. Review status: criteria provided, single submitter. Criteria: ARUP Molecular Germline Variant Investigation Process 2024. Collection method: clinical testing. Allele origin: germline.

Labcorp Genetics (formerly Invitae), Labcorp
Classification: Likely benign for X-linked lymphoproliferative disease due to XIAP deficiency. Last evaluated: 2023-10-15. Review status: criteria provided, single submitter. Criteria: Invitae Variant Classification Sherloc (09022015). Collection method: clinical testing. Allele origin: germline.